The following is an entry in ClinVar:

ClinVar aggregate classification (germline): Uncertain significance (1 of 4 stars; one submission).

Conditions:
Hereditary breast ovarian cancer syndrome. Also called: Hereditary breast and/or ovarian cancer syndrome; Hereditary breast and ovarian cancer; Hereditary breast and ovarian cancer syndrome; Breast and ovarian cancer; Hereditary breast and ovarian cancer syndrome (HBOC); BRCA1- and BRCA2-Associated Hereditary Breast and Ovarian Cancer. Identifiers: Orphanet 145, MedGen C0677776, MeSH D061325, MONDO:0003582. Disease mechanism: loss of function.

Submission:

Labcorp Genetics (formerly Invitae), Labcorp
Classification: Uncertain significance for Hereditary breast ovarian cancer syndrome. Last evaluated: 2023-01-05. Review status: criteria provided, single submitter. Criteria: Invitae Variant Classification Sherloc (09022015). Collection method: clinical testing. Allele origin: germline.
Comment: This variant is not present in population databases (gnomAD no frequency). This variant has not been reported in the literature in individuals affected with BRCA2-related conditions. Advanced modeling of protein sequence and biophysical properties (such as structural, functional, and spatial information, amino acid conservation, physicochemical variation, residue mobility, and thermodynamic stability) performed at Invitae indicates that this missense variant is not expected to disrupt BRCA2 protein function. In summary, the available evidence is currently insufficient to determine the role of this variant in disease. Therefore, it has been classified as a Variant of Uncertain Significance. This sequence change replaces lysine, which is basic and polar, with glutamic acid, which is acidic and polar, at codon 1058 of the BRCA2 protein (p.Lys1058Glu).

NM_000059.4(BRCA2):c.3172A>G (p.Lys1058Glu)

Gene: BRCA2 (BRCA2 DNA repair associated; plus strand). Cytogenetic location: 13q13.1.
Variant type: single nucleotide variant.
Coding change: c.3172A>G on transcript NM_000059.4 (MANE Select); coding-DNA position 3172, A replaced by G.
Protein change: p.Lys1058Glu; replaces lysine 1058 with glutamic acid.
Molecular consequence: missense variant. On other transcripts: non-coding transcript variant (1), intron variant (2).
Genome position (GRCh38, 1-based): chr13:32,337,527, A>G. VCF-style: chr13-32337527-A-G. GRCh37 (hg19) VCF-style: chr13-32911664-A-G.
Other names: c.3172A>G, p.Lys1058Glu (NM_001406719.1, NM_001406720.1); c.1909+4140A>G (NM_001406721.1); c.424+6497A>G (NM_001406722.1); short protein forms K1058E.
Identifiers: ClinVar variation 2826372 (VCV002826372.3), dbSNP rs730881521, ClinGen allele CA387775810.